The following is an entry in ClinVar:

NM_000059.4(BRCA2):c.6296G>C (p.Arg2099Thr)

Gene: BRCA2 (BRCA2 DNA repair associated; plus strand). Cytogenetic location: 13q13.1.
Variant type: single nucleotide variant.
Coding change: c.6296G>C on transcript NM_000059.4 (MANE Select); coding-DNA position 6296, G replaced by C.
Protein change: p.Arg2099Thr; replaces arginine 2099 with threonine.
Molecular consequence: missense variant.
Genome position (GRCh38, 1-based): chr13:32,340,651, G>C. VCF-style: chr13-32340651-G-C. GRCh37 (hg19) VCF-style: chr13-32914788-G-C.
Other names: short protein forms R2099T.
Identifiers: ClinVar variation 52049 (VCV000052049.17), dbSNP rs80358868, ClinGen allele CA023835.
Genomic context (GRCh38, chr13:32,340,651, plus strand): 5'-TGTTAGAGGAATTTGATTTAATCAGAACTGAGCATAGTCTTCACTATTCACCTACGTCTA[G>C]ACAAAATGTATCAAAAATACTTCCTCGTGTTGATAAGAGAAACCCAGAGCACTGTGTAAA-3'
Protein context (NP_000050.3, residues 2089-2109): EHSLHYSPTS[Arg2099Thr]QNVSKILPRV

ClinVar aggregate classification (germline): Conflicting classifications of pathogenicity. Review status: criteria provided, conflicting classifications (1 of 4 stars). 7 submissions from 7 submitters: Uncertain significance (4); Likely benign (2). 1 of the submissions does not count toward it. Last evaluated 2024-07-12.

Conditions:
Hereditary cancer-predisposing syndrome. Also called: Tumor predisposition; Neoplastic Syndromes, Hereditary; Hereditary neoplastic syndrome; Hereditary Cancer Syndrome. Identifiers: Orphanet 140162, MedGen C0027672, MeSH D009386, MONDO:0015356.
Hereditary breast ovarian cancer syndrome. Also called: Hereditary breast and ovarian cancer; BRCA1- and BRCA2-Associated Hereditary Breast and Ovarian Cancer; Hereditary breast and/or ovarian cancer syndrome; Hereditary breast and ovarian cancer syndrome; Breast and ovarian cancer; Hereditary breast and ovarian cancer syndrome (HBOC). Identifiers: Orphanet 145, MedGen C0677776, MeSH D061325, MONDO:0003582. Disease mechanism: loss of function.
Breast-ovarian cancer, familial, susceptibility to, 2 (BROVCA2). Also called: BRCA2 Hereditary Breast and Ovarian Cancer. Identifiers: Orphanet 145, MedGen C2675520, MONDO:0012933, OMIM 612555. Disease mechanism: loss of function.

gnomAD v4.1: 2 of 1,607,334 alleles (0.00012%); highest among the groups gnomAD compares: Non-Finnish European, 0.000085%; no homozygotes.

Submissions (7):

Ambry Genetics
Classification: Uncertain significance for Hereditary cancer-predisposing syndrome. Last evaluated: 2024-07-12. Review status: criteria provided, single submitter. Criteria: Ambry Variant Classification Scheme 2023. Collection method: clinical testing. Allele origin: germline.
Comment: The p.R2099T variant (also known as c.6296G>C), located in coding exon 10 of the BRCA2 gene, results from a G to C substitution at nucleotide position 6296. The arginine at codon 2099 is replaced by threonine, an amino acid with similar properties. This alteration has been reported in 1/1197 individuals from Greece, Romania, and Turkey undergoing evaluation for inherited cancer predisposition (Tsaousis GN et al. BMC Cancer, 2019 Jun;19:535). This amino acid position is not well conserved in available vertebrate species. In addition, this alteration is predicted to be tolerated by in silico analysis. Since supporting evidence is limited at this time, the clinical significance of this alteration remains unclear.

Blueprint Genetics
Classification: Likely benign. Last evaluated: 2024-07-01. Review status: criteria provided, single submitter. Criteria: ACMG Guidelines, 2015. Collection method: clinical testing. Allele origin: germline.

Color Diagnostics, LLC DBA Color Health
Classification: Uncertain significance for Hereditary cancer-predisposing syndrome. Last evaluated: 2023-07-11. Review status: criteria provided, single submitter. Criteria: ACMG Guidelines, 2015. Collection method: clinical testing. Allele origin: germline.
Comment: This missense variant replaces arginine with threonine at codon 2099 of the BRCA2 protein. Computational prediction suggests that this variant may not impact protein structure and function (internally defined REVEL score threshold <= 0.5, PMID: 27666373). To our knowledge, functional studies have not been reported for this variant. This variant has not been reported in individuals affected with BRCA2-related disorders in the literature. This variant has not been identified in the general population by the Genome Aggregation Database (gnomAD). The available evidence is insufficient to determine the role of this variant in disease conclusively. Therefore, this variant is classified as a Variant of Uncertain Significance.

University of Washington Department of Laboratory Medicine, University of Washington
Classification: Likely benign for Hereditary cancer-predisposing syndrome. Last evaluated: 2023-03-23. Review status: criteria provided, single submitter. Criteria: Dines et al. (Genet Med. 2020). Collection method: curation. Allele origin: germline.
Comment: Missense variant in a coldspot region where missense variants are very unlikely to be pathogenic (PMID:31911673).

BRCA2 exon 11 coldspot. Reclassification based on statistical prior probability.

Labcorp Genetics (formerly Invitae), Labcorp
Classification: Uncertain significance for Hereditary breast ovarian cancer syndrome. Last evaluated: 2019-08-29. Review status: criteria provided, single submitter. Criteria: Invitae Variant Classification Sherloc (09022015). Collection method: clinical testing. Allele origin: germline.
Comment: In summary, the available evidence is currently insufficient to determine the role of this variant in disease. Therefore, it has been classified as a Variant of Uncertain Significance. Algorithms developed to predict the effect of missense changes on protein structure and function output the following: SIFT: "Tolerated"; PolyPhen-2: "Benign"; Align-GVGD: "Class C0". The threonine amino acid residue is found in multiple mammalian species, suggesting that this missense change does not adversely affect protein function. These predictions have not been confirmed by published functional studies and their clinical significance is uncertain. This variant has been reported in individuals in the Leiden Open-source Variation Database (PMID: 21520333) and the Breast Cancer Information Core database (PMID: 10923033). ClinVar contains an entry for this variant (Variation ID: 52049). This variant is not present in population databases (ExAC no frequency). This sequence change replaces arginine with threonine at codon 2099 of the BRCA2 protein (p.Arg2099Thr). The arginine residue is weakly conserved and there is a moderate physicochemical difference between arginine and threonine.

GeneKor MSA
Classification: Uncertain significance for Hereditary cancer-predisposing syndrome. Last evaluated: 2018-08-01. Review status: criteria provided, single submitter. Criteria: ACMG Guidelines, 2015. Collection method: clinical testing. Allele origin: germline. Affected: yes.

Breast Cancer Information Core (BIC) (BRCA2)
Classification: Uncertain significance for Breast-ovarian cancer, familial 2. Last evaluated: 2002-05-29. Review status: no assertion criteria provided. Collection method: clinical testing. Allele origin: germline. Affected: yes. Observed: 1 variant allele. Not counted in ClinVar's aggregate classification.

Literature cited by the submitters: PubMed 31159747 (cited by Ambry Genetics); PubMed 21520333 (cited by Labcorp Genetics (formerly Invitae), Labcorp); PubMed 10923033 (cited by Labcorp Genetics (formerly Invitae), Labcorp).